The following is an entry in ClinVar:

ClinVar aggregate classification (germline): Conflicting classifications of pathogenicity. Review status: criteria provided, conflicting classifications (1 of 4 stars). 3 submissions from 3 submitters: Pathogenic (1); Likely pathogenic (1); Uncertain significance (1). Last evaluated 2025-08-11.

Conditions:
Charcot-Marie-Tooth disease type 4A. Also called: Charcot-Marie-Tooth disease, demyelinating, autosomal recessive, type 4a. Identifiers: Orphanet 99948, MedGen C1859198, MONDO:0008961, OMIM 214400.
Charcot-Marie-Tooth disease axonal type 2K (CMT2K). Also called: CHARCOT-MARIE-TOOTH DISEASE, AXONAL, AUTOSOMAL RECESSIVE, TYPE 2K; CHARCOT-MARIE-TOOTH NEUROPATHY, AXONAL, TYPE 2K; Charcot-Marie-Tooth disease type 2K. Identifiers: Orphanet 101097, Orphanet 99944, MedGen C1842983, MONDO:0011916, OMIM 607831.
Charcot-Marie-Tooth disease, axonal, with vocal cord paresis, autosomal recessive. Also called: CHARCOT-MARIE-TOOTH DISEASE, TYPE 4A, AXONAL FORM; CHARCOT-MARIE-TOOTH NEUROPATHY, AXONAL, WITH VOCAL CORD PARESIS, AUTOSOMAL RECESSIVE; CMT2 WITH VOCAL CORD PARESIS, AUTOSOMAL RECESSIVE. Identifiers: Orphanet 101097, MedGen C1843183, MONDO:0011898, OMIM 607706.
Charcot-Marie-Tooth disease recessive intermediate A (CMTRIA). Also called: CHARCOT-MARIE-TOOTH NEUROPATHY, RECESSIVE INTERMEDIATE A. Identifiers: Orphanet 217055, MedGen C1842197, MONDO:0012014, OMIM 608340.

Allele frequency attached by ClinVar (database versions not stated): TOPMed below 0.00001; gnomAD 0.00001; gnomAD exomes 0.00001; ExAC 0.00002.
gnomAD v4.1: 16 of 1,613,936 alleles (0.00099%); highest among the groups gnomAD compares: Admixed American, 0.0033%; no homozygotes.

Submissions (3):

Labcorp Genetics (formerly Invitae), Labcorp
Classification: Pathogenic for Charcot-Marie-Tooth disease type 4A. Last evaluated: 2025-08-11. Review status: criteria provided, single submitter. Criteria: Invitae Variant Classification Sherloc (09022015). Collection method: clinical testing. Allele origin: germline.
Comment: This sequence change replaces asparagine, which is neutral and polar, with serine, which is neutral and polar, at codon 64 of the GDAP1 protein (p.Asn64Ser). This variant is present in population databases (rs769632836, gnomAD 0.006%). This missense change has been observed in individual(s) with clinical features of autosomal recessive Charcot-Marie-Tooth disease (PMID: 33903021; internal data). In at least one individual the data is consistent with being in trans (on the opposite chromosome) from a pathogenic variant. ClinVar contains an entry for this variant (Variation ID: 1497027). Invitae Evidence Modeling of protein sequence and biophysical properties (such as structural, functional, and spatial information, amino acid conservation, physicochemical variation, residue mobility, and thermodynamic stability) indicates that this missense variant is not expected to disrupt GDAP1 protein function with a negative predictive value of 80%. For these reasons, this variant has been classified as Pathogenic.

Fulgent Genetics
Classification: Likely pathogenic for Charcot-Marie-Tooth disease type 4A; Charcot-Marie-Tooth disease, axonal, with vocal cord paresis, autosomal recessive; Charcot-Marie-Tooth disease axonal type 2K; Charcot-Marie-Tooth disease recessive intermediate A. Last evaluated: 2024-05-19. Review status: criteria provided, single submitter. Criteria: ACMG Guidelines, 2015. Collection method: clinical testing. Allele origin: germline.

MGZ Medical Genetics Center
Classification: Uncertain significance for Charcot-Marie-Tooth disease axonal type 2K. Last evaluated: 2022-06-08. Review status: criteria provided, single submitter. Criteria: ACMG Guidelines, 2015. Collection method: clinical testing. Allele origin: germline. Affected: yes. Observed: 1 variant allele.
Comment: ACMG criteria applied: PM1, PM2_SUP, PM3_SUP, BP4

Literature cited by the submitters: PubMed 33903021 (cited by Labcorp Genetics (formerly Invitae), Labcorp).

NM_018972.4(GDAP1):c.191A>G (p.Asn64Ser)

Gene: GDAP1 (ganglioside induced differentiation associated protein 1; plus strand). Cytogenetic location: 8q21.11.
Variant type: single nucleotide variant.
Coding change: c.191A>G on transcript NM_018972.4 (MANE Select); coding-DNA position 191, A replaced by G.
Protein change: p.Asn64Ser; replaces asparagine 64 with serine.
Molecular consequence: missense variant. On other transcripts: 5 prime UTR variant (1), intron variant (2).
Genome position (GRCh38, 1-based): chr8:74,351,347, A>G. VCF-style: chr8-74351347-A-G. GRCh37 (hg19) VCF-style: chr8-75263582-A-G.
Other names: c.-14A>G (NM_001040875.4); c.191A>G, p.Asn64Ser (NM_001362930.2, NM_001362931.2); c.-18+26A>G (NM_001362929.2); c.-18+769A>G (NM_001362932.2); short protein forms N64S.
Identifiers: ClinVar variation 1497027 (VCV001497027.11), dbSNP rs769632836, ClinGen allele CA4785052.